The following is an entry in ClinVar:

ClinVar aggregate classification (germline): Uncertain significance. Review status: criteria provided, multiple submitters, no conflicts (2 of 4 stars). 2 submissions from 2 submitters: Uncertain significance (2). Last evaluated 2025-05-13.

Conditions:
MPZ-related disorder. Also called: MPZ-related disorders; MPZ-related condition.
Charcot-Marie-Tooth disease, type I (CMT1). Also called: Charcot-Marie-Tooth, Type 1; Charcot-Marie-Tooth disease type 1. Identifiers: Orphanet 65753, MedGen C0751036, MONDO:0019011.

Submissions (2):

Labcorp Genetics (formerly Invitae), Labcorp
Classification: Uncertain significance for Charcot-Marie-Tooth disease, type I. Last evaluated: 2025-05-13. Review status: criteria provided, single submitter. Criteria: Invitae Variant Classification Sherloc (09022015). Collection method: clinical testing. Allele origin: germline.
Comment: This sequence change replaces glycine, which is neutral and non-polar, with valine, which is neutral and non-polar, at codon 93 of the MPZ protein (p.Gly93Val). This variant is not present in population databases (gnomAD no frequency). This missense change has been observed in individual(s) with Charcot-Marie-Tooth disease (internal data). ClinVar contains an entry for this variant (Variation ID: 1357935). Invitae Evidence Modeling of protein sequence and biophysical properties (such as structural, functional, and spatial information, amino acid conservation, physicochemical variation, residue mobility, and thermodynamic stability) indicates that this missense variant is expected to disrupt MPZ protein function with a positive predictive value of 80%. This variant disrupts the p.Gly93 amino acid residue in MPZ. Other variant(s) that disrupt this residue have been determined to be pathogenic (PMID: 9217235, 21326314; internal data). This suggests that this residue is clinically significant, and that variants that disrupt this residue are likely to be disease-causing. In summary, the available evidence is currently insufficient to determine the role of this variant in disease. Therefore, it has been classified as a Variant of Uncertain Significance.

3billion
Classification: Uncertain significance for MPZ-related disorder. Last evaluated: 2025-04-01. Review status: criteria provided, single submitter. Criteria: ACMG Guidelines, 2015. Collection method: clinical testing. Allele origin: germline. Affected: yes.

Literature cited by the submitters: PubMed 9217235 (cited by Labcorp Genetics (formerly Invitae), Labcorp); PubMed 21326314 (cited by Labcorp Genetics (formerly Invitae), Labcorp and 3billion).

NM_000530.8(MPZ):c.278G>T (p.Gly93Val)

Gene: MPZ (myelin protein zero; minus strand). Cytogenetic location: 1q23.3.
Variant type: single nucleotide variant.
Coding change: c.278G>T on transcript NM_000530.8 (MANE Select); coding-DNA position 278, G replaced by T.
Protein change: p.Gly93Val; replaces glycine 93 with valine.
Molecular consequence: missense variant.
Genome position (GRCh38, 1-based): chr1:161,306,878, C>A on the plus strand (G>T on the coding strand, the complement: MPZ is on the minus strand). VCF-style: chr1-161306878-C-A. GRCh37 (hg19) VCF-style: chr1-161276668-C-A.
Other names: c.278G>T, p.Gly93Val (NM_001315491.2); short protein forms G93V.
Identifiers: ClinVar variation 1357935 (VCV001357935.7), dbSNP rs1060503418, ClinGen allele CA343349724.